The following is an entry in ClinVar:

ClinVar aggregate classification (germline): Uncertain significance (1 of 4 stars; one submission).

Conditions:
Glycogen storage disease IXd (GSD9D). Also called: GSD IXd; Muscle Phosphorylase Kinase Deficiency. Identifiers: Orphanet 715, MedGen C1845151, MONDO:0010362, OMIM 300559.

Allele frequency attached by ClinVar (database versions not stated): gnomAD exomes below 0.00001; ExAC 0.00001; TOPMed 0.00002; gnomAD 0.00003.
gnomAD v4.1: 8 of 1,209,605 alleles (0.00066%); highest among the groups gnomAD compares: Admixed American, 0.0044%; no homozygotes.

Submission:

Labcorp Genetics (formerly Invitae), Labcorp
Classification: Uncertain significance for Glycogen storage disease IXd. Last evaluated: 2026-01-19. Review status: criteria provided, single submitter. Criteria: Invitae Variant Classification Sherloc (09022015). Collection method: clinical testing. Allele origin: germline.
Comment: This sequence change replaces arginine, which is basic and polar, with cysteine, which is neutral and slightly polar, at codon 553 of the PHKA1 protein (p.Arg553Cys). This variant is present in population databases (rs782021325, gnomAD 0.006%). This missense change has been observed in individual(s) with clinical features of PHKA1-related conditions (PMID: 29667327). ClinVar contains an entry for this variant (Variation ID: 2201246). An algorithm developed to predict the effect of missense changes on protein structure and function (PolyPhen-2) suggests that this variant is likely to be tolerated. In summary, the available evidence is currently insufficient to determine the role of this variant in disease. Therefore, it has been classified as a Variant of Uncertain Significance.

Literature cited by the submitters: PubMed 29667327.

NM_002637.4(PHKA1):c.1657C>T (p.Arg553Cys)

Gene: PHKA1 (phosphorylase kinase regulatory subunit alpha 1; minus strand). Cytogenetic location: Xq13.1.
Variant type: single nucleotide variant.
Coding change: c.1657C>T on transcript NM_002637.4 (MANE Select); coding-DNA position 1657, C replaced by T.
Protein change: p.Arg553Cys; replaces arginine 553 with cysteine.
Molecular consequence: missense variant.
Genome position (GRCh38, 1-based): chrX:72,635,212, G>A on the plus strand (C>T on the coding strand, the complement: PHKA1 is on the minus strand). VCF-style: chrX-72635212-G-A. GRCh37 (hg19) VCF-style: chrX-71855062-G-A.
Other names: c.1657C>T, p.Arg553Cys (NM_001122670.2, NM_001172436.2); short protein forms R553C.
Identifiers: ClinVar variation 2201246 (VCV002201246.4), dbSNP rs782021325, ClinGen allele CA10450840.
Genomic context (GRCh38, chrX:72,635,212, plus strand): 5'-TACCAAGCATGCTGTGTGAGATGGGGAAGGTGATGGTGGGCTGGCCTGTCATCCGCCAGC[G>A]GCTACAGAGGTAGGAGAGGTCTGTTCTAAGCATTTCCACTATCATCTTGTTGTCCAGAGC-3'
Protein context (NP_002628.2, residues 543-563): LRTDLSYLCS[Arg553Cys]WRMTGQPTIT